The following is an entry in ClinVar:

NM_014314.4(RIGI):c.1334A>G (p.Asn445Ser)

Gene: RIGI (RNA sensor RIG-I; minus strand). Cytogenetic location: 9p21.1.
Variant type: single nucleotide variant.
Coding change: c.1334A>G on transcript NM_014314.4 (MANE Select); coding-DNA position 1334, A replaced by G.
Protein change: p.Asn445Ser; replaces asparagine 445 with serine.
Molecular consequence: missense variant.
Genome position (GRCh38, 1-based): chr9:32,487,512, T>C on the plus strand (A>G on the coding strand, the complement: RIGI is on the minus strand). VCF-style: chr9-32487512-T-C. GRCh37 (hg19) VCF-style: chr9-32487510-T-C.
Other names: c.1328A>G, p.Asn443Ser (NM_001385907.1); c.1334A>G, p.Asn445Ser (NM_001385909.1); c.893A>G, p.Asn298Ser (NM_001385910.1); c.725A>G, p.Asn242Ser (NM_001385912.1); c.1319A>G, p.Asn440Ser (NM_001385913.1); c.890A>G, p.Asn297Ser (NM_001385914.1); short protein forms N298S, N443S, N297S, N440S, N445S, N242S.
Identifiers: ClinVar variation 1424603 (VCV001424603.8), dbSNP rs1823966438, ClinGen allele CA373155663.

ClinVar aggregate classification (germline): Uncertain significance (1 of 4 stars; one submission).

Allele frequency attached by ClinVar (database versions not stated): gnomAD exomes below 0.00001.
gnomAD v4.1: 7 of 1,614,168 alleles (0.00043%); highest among the groups gnomAD compares: Admixed American, 0.0067%; no homozygotes.

Submission:

Labcorp Genetics (formerly Invitae), Labcorp
Classification: Uncertain significance. Last evaluated: 2025-09-22. Review status: criteria provided, single submitter. Criteria: Invitae Variant Classification Sherloc (09022015). Collection method: clinical testing. Allele origin: germline.
Comment: This sequence change replaces asparagine, which is neutral and polar, with serine, which is neutral and polar, at codon 445 of the DDX58 protein (p.Asn445Ser). This variant is not present in population databases (gnomAD no frequency). This variant has not been reported in the literature in individuals affected with DDX58-related conditions. ClinVar contains an entry for this variant (Variation ID: 1424603). Invitae Evidence Modeling of protein sequence and biophysical properties (such as structural, functional, and spatial information, amino acid conservation, physicochemical variation, residue mobility, and thermodynamic stability) has been performed for this missense variant. However, the output from this modeling did not meet the statistical confidence thresholds required to predict the impact of this variant on DDX58 protein function. In summary, the available evidence is currently insufficient to determine the role of this variant in disease. Therefore, it has been classified as a Variant of Uncertain Significance.